The following is an entry in ClinVar:

ClinVar aggregate classification (germline): Uncertain significance. Review status: criteria provided, multiple submitters, no conflicts (2 of 4 stars). 5 submissions from 5 submitters: Uncertain significance (4). 1 of the submissions does not count toward it. Last evaluated 2026-02-03.

Conditions:
Hearing loss, autosomal dominant 34, with or without inflammation. Also called: DEAFNESS, AUTOSOMAL DOMINANT 34, WITH OR WITHOUT INFLAMMATION. Identifiers: MedGen C4521680, MONDO:0033261, OMIM 617772.
Familial amyloid nephropathy with urticaria AND deafness (MWS). Also called: MUCKLE-WELLS SYNDROME; Urticaria, deafness and amyloidosis; CRYOPYRIN-ASSOCIATED PERIODIC SYNDROME 2; UDA SYNDROME; URTICARIA-DEAFNESS-AMYLOIDOSIS SYNDROME. Identifiers: Orphanet 575, MedGen C0268390, MONDO:0008633, OMIM 191900.
Chronic infantile neurological, cutaneous and articular syndrome (CINCA). Also called: CINCA syndrome; Prieur Griscelli syndrome; CRYOPYRIN-ASSOCIATED PERIODIC SYNDROME 3; CHRONIC NEUROLOGIC CUTANEOUS AND ARTICULAR SYNDROME. Identifiers: Orphanet 1451, MedGen C0409818, MONDO:0011776, OMIM 607115.
Keratitis fugax hereditaria. Also called: KERATOENDOTHELIITIS FUGAX HEREDITARIA. Identifiers: Orphanet 647815, MedGen C1835697, MONDO:0007849, OMIM 148200.
Familial cold autoinflammatory syndrome 1 (FCAS1). Also called: Familial cold inflammatory syndrome 1; CRYOPYRIN-ASSOCIATED PERIODIC SYNDROME 1. Identifiers: Orphanet 47045, MedGen C4551895, MONDO:0007349, OMIM 120100.
Cryopyrin associated periodic syndrome (CAPS). Identifiers: Orphanet 208650, MedGen C2316212, MONDO:0016168.

Allele frequency attached by ClinVar (database versions not stated): ExAC 0.00002; gnomAD exomes 0.00002 and 0.00008; gnomAD 0.00007 and 0.00009; TOPMed 0.00007; ESP Exome Variant Server 0.00015.
gnomAD v4.1: 126 of 1,614,084 alleles (0.0078%); highest among the groups gnomAD compares: Non-Finnish European, 0.011%; no homozygotes.

Submissions (5):

Labcorp Genetics (formerly Invitae), Labcorp
Classification: Uncertain significance for Cryopyrin associated periodic syndrome. Last evaluated: 2026-02-03. Review status: criteria provided, single submitter. Criteria: Invitae Variant Classification Sherloc (09022015). Collection method: clinical testing. Allele origin: germline.
Comment: This sequence change replaces aspartic acid, which is acidic and polar, with tyrosine, which is neutral and polar, at codon 648 of the NLRP3 protein (p.Asp648Tyr). This variant is present in population databases (rs138061418, gnomAD 0.007%). This missense change has been observed in individual(s) with clinical features of cryopyrin-associated periodic syndrome (CAPS) (PMID: 25732894, 39347728). ClinVar contains an entry for this variant (Variation ID: 449000). Invitae Evidence Modeling of protein sequence and biophysical properties (such as structural, functional, and spatial information, amino acid conservation, physicochemical variation, residue mobility, and thermodynamic stability) has been performed for this missense variant. However, the output from this modeling did not meet the statistical confidence thresholds required to predict the impact of this variant on NLRP3 protein function. In summary, the available evidence is currently insufficient to determine the role of this variant in disease. Therefore, it has been classified as a Variant of Uncertain Significance.

Fulgent Genetics
Classification: Uncertain significance for Familial cold autoinflammatory syndrome 1; Keratitis fugax hereditaria; Familial amyloid nephropathy with urticaria AND deafness; Chronic infantile neurological, cutaneous and articular syndrome; Hearing loss, autosomal dominant 34, with or without inflammation. Last evaluated: 2024-02-12. Review status: criteria provided, single submitter. Criteria: ACMG Guidelines, 2015. Collection method: clinical testing. Allele origin: germline.

CeGaT Center for Human Genetics Tuebingen
Classification: Uncertain significance. Last evaluated: 2020-04-01. Review status: criteria provided, single submitter. Criteria: CeGaT Center For Human Genetics Tuebingen Variant Classification Criteria Version 2. Collection method: clinical testing. Allele origin: germline. Affected: yes. Observed: 1 variant allele.

GeneDx
Classification: Uncertain significance. Last evaluated: 2017-07-31. Review status: criteria provided, single submitter. Criteria: GeneDx Variant Classification (06012015). Collection method: clinical testing. Allele origin: germline. Affected: yes.
Comment: The D648Y variant has been published previously in association with chronic spontaneous urticaria (Herbert et al., 2015). The variant is observed in 3/66722 (0.004%) alleles from individuals of European background in the ExAC dataset (Lek et al., 2016). D648Y is a non-conservative amino acid substitution, which is likely to impact secondary protein structure as these residues differ in polarity, charge, size and/or other properties. However, this substitution occurs at a position that is not conserved, and in silico analysis is inconsistent in its predictions as to whether or not the variant is damaging to the protein structure/function. In summary, based on the currently available information, it is unclear whether this variant is a pathogenic variant or a rare benign variant.

Gharavi Laboratory, Columbia University
Classification: Uncertain significance. Last evaluated: 2018-09-16. Review status: no assertion criteria provided. Criteria: ACMG Guidelines, 2015. Collection method: research. Allele origin: germline. Affected: no. Not counted in ClinVar's aggregate classification.

Literature cited by the submitters: PubMed 25732894 (cited by Labcorp Genetics (formerly Invitae), Labcorp); PubMed 39347728 (cited by Labcorp Genetics (formerly Invitae), Labcorp).

NM_001243133.2(NLRP3):c.1936G>T (p.Asp646Tyr)

Gene: NLRP3 (NLR family pyrin domain containing 3; plus strand). Cytogenetic location: 1q44.
Variant type: single nucleotide variant.
Coding change: c.1936G>T on transcript NM_001243133.2 (MANE Select); coding-DNA position 1936, G replaced by T.
Protein change: p.Asp646Tyr; replaces aspartic acid 646 with tyrosine.
Molecular consequence: missense variant.
Genome position (GRCh38, 1-based): chr1:247,425,385, G>T. VCF-style: chr1-247425385-G-T. GRCh37 (hg19) VCF-style: chr1-247588687-G-T.
Other names: c.1936G>T, p.Asp646Tyr (NM_001079821.3, NM_001127461.3, NM_001127462.3 and 1 more transcripts); c.1942G>T, p.Asp648Tyr (NM_004895.5); short protein forms D648Y, D646Y.
Identifiers: ClinVar variation 449000 (VCV000449000.50), dbSNP rs138061418, ClinGen allele CA1495090.